The following is an entry in ClinVar:

ClinVar aggregate classification (germline): Pathogenic (1 of 4 stars; one submission).

Conditions:
Metachromatic leukodystrophy (MLD). Also called: METACHROMATIC LEUKOENCEPHALOPATHY; SULFATIDE LIPIDOSIS; ARSA DEFICIENCY; CEREBROSIDE SULFATASE DEFICIENCY; Cerebral sclerosis diffuse metachromatic form; Arylsulfatase A Deficiency. Identifiers: Orphanet 512, MedGen C0023522, MONDO:0018868, OMIM 250100.

Submission:

Women's Health and Genetics/Laboratory Corporation of America, LabCorp
Classification: Pathogenic for Metachromatic leukodystrophy. Last evaluated: 2025-03-18. Review status: criteria provided, single submitter. Criteria: LabCorp Variant Classification Summary - May 2015. Collection method: clinical testing. Allele origin: germline.
Comment: Variant summary: ARSA c.959G>A (p.Trp320X) results in a premature termination codon, predicted to cause a truncation of the encoded protein or absence of the protein due to nonsense mediated decay, which are commonly known mechanisms for disease. The variant was absent in 234276 control chromosomes. p.Trp320X has been reported in the literature in individuals affected with Metachromatic Leukodystrophy (e.g. Liaw_2015). To our knowledge, no experimental evidence demonstrating an impact on protein function has been reported. The following publication has been ascertained in the context of this evaluation (PMID: 26553228). No submitters have cited clinical-significance assessments for this variant to ClinVar. Based on the evidence outlined above, the variant was classified as pathogenic.

Literature cited by the submitters: PubMed 26553228.

NM_000487.6(ARSA):c.959G>A (p.Trp320Ter)

Gene: ARSA (arylsulfatase A; minus strand). Cytogenetic location: 22q13.33.
Variant type: single nucleotide variant.
Coding change: c.959G>A on transcript NM_000487.6 (MANE Select); coding-DNA position 959, G replaced by A.
Protein change: p.Trp320Ter; replaces tryptophan 320 with a stop codon.
Molecular consequence: nonsense.
Genome position (GRCh38, 1-based): chr22:50,626,174, C>T on the plus strand (G>A on the coding strand, the complement: ARSA is on the minus strand). VCF-style: chr22-50626174-C-T. GRCh37 (hg19) VCF-style: chr22-51064602-C-T.
Other names: c.959G>A, p.Trp320Ter (NM_001085425.3, NM_001085426.3, NM_001085427.3); c.701G>A, p.Trp234Ter (NM_001085428.3, NM_001362782.2); short protein forms W234*, W320*.
Identifiers: ClinVar variation 3895554 (VCV003895554.1).